The following is an entry in ClinVar:

ClinVar aggregate classification (germline): Pathogenic (3 of 4 stars; one submission).

Conditions:
Lynch syndrome. Identifiers: Orphanet 144, MedGen C4552100, MONDO:0005835. Disease mechanism: loss of function.

Submission:

International Society for Gastrointestinal Hereditary Tumours (InSiGHT)
Classification: Pathogenic for Lynch Syndrome. Last evaluated: 2013-09-05. Review status: reviewed by expert panel. Criteria: Guidelines v1.9. Collection method: research. Allele origin: germline.
Comment: Large deletion

Classified with v1.9 guidelines

NM_000535.6(PMS2):c.904-?_988+?del

Gene: PMS2 (PMS1 homolog 2, mismatch repair system component; minus strand).
Variant type: Deletion.
Coding change: c.904-?_988+?del on transcript NM_000535.6.
Other names: c.904-?_988+?del (LRG_161t1).
Identifiers: ClinVar variation 91380 (VCV000091380.2).